The following is an entry in ClinVar:

NM_000057.4(BLM):c.53C>T (p.Ala18Val)

Gene: BLM (BLM RecQ like helicase; plus strand). Cytogenetic location: 15q26.1.
Variant type: single nucleotide variant.
Coding change: c.53C>T on transcript NM_000057.4 (MANE Select); coding-DNA position 53, C replaced by T.
Protein change: p.Ala18Val; replaces alanine 18 with valine.
Molecular consequence: missense variant. On other transcripts: 5 prime UTR variant (1).
Genome position (GRCh38, 1-based): chr15:90,747,445, C>T. VCF-style: chr15-90747445-C-T. GRCh37 (hg19) VCF-style: chr15-91290675-C-T.
Other names: c.53C>T, p.Ala18Val (NM_001287246.2, NM_001287247.2); c.-1239C>T (NM_001287248.2); short protein forms A18V.
Identifiers: ClinVar variation 2741103 (VCV002741103.3), dbSNP rs2151145051, ClinGen allele CA393838914.

ClinVar aggregate classification (germline): Uncertain significance (1 of 4 stars; one submission).

Conditions:
Bloom syndrome (BLM). Also called: Bloom-Torre-Machacek syndrome. Identifiers: Orphanet 125, MedGen C0005859, MONDO:0008876, OMIM 210900.

Submission:

Labcorp Genetics (formerly Invitae), Labcorp
Classification: Uncertain significance for Bloom syndrome. Last evaluated: 2022-12-23. Review status: criteria provided, single submitter. Criteria: Invitae Variant Classification Sherloc (09022015). Collection method: clinical testing. Allele origin: germline.
Comment: This sequence change replaces alanine, which is neutral and non-polar, with valine, which is neutral and non-polar, at codon 18 of the BLM protein (p.Ala18Val). This variant is not present in population databases (gnomAD no frequency). This variant has not been reported in the literature in individuals affected with BLM-related conditions. Algorithms developed to predict the effect of missense changes on protein structure and function are either unavailable or do not agree on the potential impact of this missense change (SIFT: "Tolerated"; PolyPhen-2: "Probably Damaging"; Align-GVGD: "Class C0"). In summary, the available evidence is currently insufficient to determine the role of this variant in disease. Therefore, it has been classified as a Variant of Uncertain Significance.